The following is an entry in ClinVar:

ClinVar aggregate classification (germline): Uncertain significance (1 of 4 stars; one submission).

Submission:

Labcorp Genetics (formerly Invitae), Labcorp
Classification: Uncertain significance. Last evaluated: 2021-12-02. Review status: criteria provided, single submitter. Criteria: Invitae Variant Classification Sherloc (09022015). Collection method: clinical testing. Allele origin: germline.
Comment: Advanced modeling of protein sequence and biophysical properties (such as structural, functional, and spatial information, amino acid conservation, physicochemical variation, residue mobility, and thermodynamic stability) performed at Invitae indicates that this missense variant is not expected to disrupt COL4A2 protein function. In summary, the available evidence is currently insufficient to determine the role of this variant in disease. Therefore, it has been classified as a Variant of Uncertain Significance. This variant is not present in population databases (gnomAD no frequency). This variant has not been reported in the literature in individuals affected with COL4A2-related conditions. This sequence change replaces lysine, which is basic and polar, with asparagine, which is neutral and polar, at codon 547 of the COL4A2 protein (p.Lys547Asn).

NM_001846.4(COL4A2):c.1641A>T (p.Lys547Asn)

Genes: COL4A2 (collagen type IV alpha 2 chain; plus strand), COL4A2-AS2 (COL4A2 antisense RNA 2; minus strand). Cytogenetic location: 13q34.
Variant type: single nucleotide variant.
Coding change: c.1641A>T on transcript NM_001846.4 (MANE Select); coding-DNA position 1641, A replaced by T.
Protein change: p.Lys547Asn; replaces lysine 547 with asparagine.
Molecular consequence: missense variant.
Genome position (GRCh38, 1-based): chr13:110,462,158, A>T. VCF-style: chr13-110462158-A-T. GRCh37 (hg19) VCF-style: chr13-111114505-A-T.
Other names: short protein forms K547N.
Identifiers: ClinVar variation 1360862 (VCV001360862.8), dbSNP rs2139498824, ClinGen allele CA388738447.